The following is an entry in ClinVar:

NM_006015.6(ARID1A):c.135C>T (p.Ala45=)

Gene: ARID1A (AT-rich interaction domain 1A; plus strand). Cytogenetic location: 1p36.11.
Variant type: single nucleotide variant.
Coding change: c.135C>T on transcript NM_006015.6 (MANE Select); coding-DNA position 135, C replaced by T.
Protein change: p.Ala45=; no amino-acid change (alanine 45 retained).
Molecular consequence: synonymous variant.
Genome position (GRCh38, 1-based): chr1:26,696,538, C>T. VCF-style: chr1-26696538-C-T. GRCh37 (hg19) VCF-style: chr1-27023029-C-T.
Other names: c.135C>T (LRG_875t1); c.135C>T, p.Ala45= (NM_139135.4).
Identifiers: ClinVar variation 434311 (VCV000434311.22), dbSNP rs892415319, ClinGen allele CA19640376.

ClinVar aggregate classification (germline): Benign/Likely benign. Review status: criteria provided, multiple submitters, no conflicts (2 of 4 stars). 6 submissions from 6 submitters: Benign (3); Likely benign (3). Last evaluated 2026-02-01.

Conditions:
Intellectual disability, autosomal dominant 14 (CSS2). Also called: COFFIN-SIRIS SYNDROME 2. Identifiers: Orphanet 1465, MedGen C3553247, MONDO:0013819, OMIM 614607.

Allele frequency attached by ClinVar (database versions not stated): gnomAD 0.00162 and 0.00168; TOPMed 0.00163; 1000 Genomes Project 30x 0.00187.
gnomAD v4.1: 394 of 1,223,954 alleles (0.032%); highest among the groups gnomAD compares: African/African-American, 0.6%; 4 homozygotes.

Submissions (6):

CeGaT Center for Human Genetics Tuebingen
Classification: Likely benign. Last evaluated: 2026-02-01. Review status: criteria provided, single submitter. Criteria: CeGaT Center For Human Genetics Tuebingen Variant Classification Criteria Version 2. Collection method: clinical testing. Allele origin: germline. Affected: yes. Observed: 1 variant allele.
Comment: ARID1A: BP4, BP7

Labcorp Genetics (formerly Invitae), Labcorp
Classification: Benign. Last evaluated: 2026-01-28. Review status: criteria provided, single submitter. Criteria: Invitae Variant Classification Sherloc (09022015). Collection method: clinical testing. Allele origin: germline.

Blueprint Genetics
Classification: Likely benign. Last evaluated: 2024-02-01. Review status: criteria provided, single submitter. Criteria: ACMG Guidelines, 2015. Collection method: clinical testing. Allele origin: germline.

Genome-Nilou Lab
Classification: Benign for Intellectual disability, autosomal dominant 14. Last evaluated: 2021-12-05. Review status: criteria provided, single submitter. Criteria: ACMG Guidelines, 2015. Collection method: clinical testing. Allele origin: germline. Affected: no.

GeneDx
Classification: Benign. Last evaluated: 2020-08-05. Review status: criteria provided, single submitter. Criteria: GeneDx Variant Classification Process June 2021. Collection method: clinical testing. Allele origin: germline. Affected: yes.

Genetic Services Laboratory, University of Chicago
Classification: Likely benign. Last evaluated: 2016-11-01. Review status: criteria provided, single submitter. Criteria: ACMG Guidelines, 2015. Collection method: clinical testing. Allele origin: germline. Affected: no.